The following is an entry in ClinVar:

ClinVar aggregate classification (germline): Uncertain significance (1 of 4 stars; one submission).

Allele frequency attached by ClinVar (database versions not stated): gnomAD exomes below 0.00001.
gnomAD v4.1: 1 of 1,599,846 alleles (0.000063%); highest among the groups gnomAD compares: South Asian, 0.0011%; no homozygotes.

Submission:

Labcorp Genetics (formerly Invitae), Labcorp
Classification: Uncertain significance. Last evaluated: 2021-04-28. Review status: criteria provided, single submitter. Criteria: Invitae Variant Classification Sherloc (09022015). Collection method: clinical testing. Allele origin: germline.
Comment: In summary, the available evidence is currently insufficient to determine the role of this variant in disease. Therefore, it has been classified as a Variant of Uncertain Significance. Algorithms developed to predict the effect of missense changes on protein structure and function are either unavailable or do not agree on the potential impact of this missense change (SIFT: "Deleterious"; PolyPhen-2: "Probably Damaging"; Align-GVGD: "Class C0"). This variant has not been reported in the literature in individuals with KIAA1549-related conditions. This variant is not present in population databases (ExAC no frequency). This sequence change replaces serine with cysteine at codon 1036 of the KIAA1549 protein (p.Ser1036Cys). The serine residue is highly conserved and there is a moderate physicochemical difference between serine and cysteine.

NM_001164665.2(KIAA1549):c.3107C>G (p.Ser1036Cys)

Gene: KIAA1549 (KIAA1549; minus strand). Cytogenetic location: 7q34.
Variant type: single nucleotide variant.
Coding change: c.3107C>G on transcript NM_001164665.2 (MANE Select); coding-DNA position 3107, C replaced by G.
Protein change: p.Ser1036Cys; replaces serine 1036 with cysteine.
Molecular consequence: missense variant.
Genome position (GRCh38, 1-based): chr7:138,911,184, G>C on the plus strand (C>G on the coding strand, the complement: KIAA1549 is on the minus strand). VCF-style: chr7-138911184-G-C. GRCh37 (hg19) VCF-style: chr7-138595930-G-C.
Other names: c.3107C>G, p.Ser1036Cys (NM_020910.3); short protein forms S1036C.
Identifiers: ClinVar variation 1349680 (VCV001349680.8), dbSNP rs2130465924, ClinGen allele CA369388658.